The following is an entry in ClinVar:

NM_005262.3(GFER):c.580C>T (p.Arg194Cys)

Gene: GFER (growth factor, augmenter of liver regeneration; plus strand). Cytogenetic location: 16p13.3.
Variant type: single nucleotide variant.
Coding change: c.580C>T on transcript NM_005262.3 (MANE Select); coding-DNA position 580, C replaced by T.
Protein change: p.Arg194Cys; replaces arginine 194 with cysteine.
Molecular consequence: missense variant.
Genome position (GRCh38, 1-based): chr16:1,985,990, C>T. VCF-style: chr16-1985990-C-T. GRCh37 (hg19) VCF-style: chr16-2035991-C-T.
Other names: short protein forms R194C.
Identifiers: ClinVar variation 1699133 (VCV001699133.5), dbSNP rs780851934, ClinGen allele CA7826095.

ClinVar aggregate classification (germline): Conflicting classifications of pathogenicity. Review status: criteria provided, conflicting classifications (1 of 4 stars). 2 submissions from 2 submitters: Likely pathogenic (1); Uncertain significance (1). Last evaluated 2022-04-22.

Conditions:
Congenital cataract-progressive muscular hypotonia-hearing loss-developmental delay syndrome. Also called: MITOCHONDRIAL COMPLEX DEFICIENCY, COMBINED; Myopathy with cataract and combined respiratory-chain deficiency. Identifiers: Orphanet 330054, MedGen C2751320, MONDO:0013116, OMIM 613076.

Allele frequency attached by ClinVar (database versions not stated): TOPMed 0.00001; ExAC 0.00002; gnomAD exomes 0.00002 and 0.00004; gnomAD 0.00003.
gnomAD v4.1: 32 of 1,612,914 alleles (0.002%); highest among the groups gnomAD compares: South Asian, 0.012%; no homozygotes.

Submissions (2):

Labcorp Genetics (formerly Invitae), Labcorp
Classification: Uncertain significance. Last evaluated: 2022-04-22. Review status: criteria provided, single submitter. Criteria: Invitae Variant Classification Sherloc (09022015). Collection method: clinical testing. Allele origin: germline.
Comment: This sequence change replaces arginine, which is basic and polar, with cysteine, which is neutral and slightly polar, at codon 194 of the GFER protein (p.Arg194Cys). This variant is present in population databases (rs780851934, gnomAD 0.006%). This missense change has been observed in individual(s) with clinical features of GFER-related conditions (PMID: 28939701). Algorithms developed to predict the effect of missense changes on protein structure and function (SIFT, PolyPhen-2, Align-GVGD) all suggest that this variant is likely to be disruptive. This variant disrupts the p.Arg194 amino acid residue in GFER. Other variant(s) that disrupt this residue have been determined to be pathogenic (PMID: 19409522, 26018198, 26944241). This suggests that this residue is clinically significant, and that variants that disrupt this residue are likely to be disease-causing. In summary, the available evidence is currently insufficient to determine the role of this variant in disease. Therefore, it has been classified as a Variant of Uncertain Significance.

Victorian Clinical Genetics Services, Murdoch Childrens Research Institute
Classification: Likely pathogenic for Congenital cataract-progressive muscular hypotonia-hearing loss-developmental delay syndrome. Last evaluated: 2020-10-19. Review status: criteria provided, single submitter. Criteria: ACMG Guidelines, 2015. Collection method: clinical testing. Allele origin: germline. Inheritance: Autosomal recessive inheritance. Affected: yes.
Comment: Based on the classification scheme VCGS_Germline_v1.1.1, this variant is classified as Likely Pathogenic. Following criteria are met: 0102 - Loss-of-function is a known mechanism of disease for this gene. (N) 0106 - This gene is known to be associated with autosomal recessive disease. (N) 0200 - Variant is predicted to result in a missense amino acid change from arginine to cysteine (exon 3). (N) 0252 - Variant is homozygous. (N) 0304 - Variant is present in gnomAD <0.01 for a recessive condition (10 heterozygotes, 0 homozygotes). (P) 0309 - An alternative amino acid change at the same position has been observed in gnomAD (8 heterozygotes, 0 homozygotes). (N) 0501 - Missense variant consistently predicted to be damaging by multiple in silico tools or highly conserved with a major amino acid change. (P) 0601 - Variant affects at least one well-established (essential) functional domain or motif. The alternate p.(Arg194His) variant has been shown to result in destabilisation and mislocalisation of GFER protein, demonstrating the importance of this residue (PMID: 19409522). (P) 0702 - Comparable variants have strong previous evidence for pathogenicity. (p.(Arg194His); Clinvar, PMID: 19409522) (P) 0803 - Low previous evidence of pathogenicity in unrelated individuals. Homozygous in a patient with cardiorespiratory insufficiency and metabolic acidosis (PMID: 28939701). (P) 0905 - No segregation evidence has been identified for this variant. (N) 1007 - No published functional evidence has been identified for this variant. (N) Legend: (P) - Pathogenic, (N) - Neutral, (B) - Benign

Literature cited by the submitters: PubMed 28939701 (cited by Labcorp Genetics (formerly Invitae), Labcorp and Victorian Clinical Genetics Services, Murdoch Childrens Research Institute); PubMed 19409522 (cited by Labcorp Genetics (formerly Invitae), Labcorp and Victorian Clinical Genetics Services, Murdoch Childrens Research Institute); PubMed 26018198 (cited by Labcorp Genetics (formerly Invitae), Labcorp); PubMed 26944241 (cited by Labcorp Genetics (formerly Invitae), Labcorp).